The following is an entry in ClinVar:

NM_001375567.1(FOCAD):c.4544A>G (p.Gln1515Arg)

Gene: FOCAD (focadhesin; plus strand). Cytogenetic location: 9p21.3.
Variant type: single nucleotide variant.
Coding change: c.4544A>G on transcript NM_001375567.1 (MANE Select); coding-DNA position 4544, A replaced by G.
Protein change: p.Gln1515Arg; replaces glutamine 1515 with arginine.
Molecular consequence: missense variant.
Genome position (GRCh38, 1-based): chr9:20,981,592, A>G. VCF-style: chr9-20981592-A-G. GRCh37 (hg19) VCF-style: chr9-20981591-A-G.
Other names: c.4439A>G, p.Gln1480Arg (NM_001375568.1, NM_001375570.1); c.4544A>G, p.Gln1515Arg (NM_017794.5); c.4544A>G (NM_017794.4); short protein forms Q1515R, Q1480R.
Identifiers: ClinVar variation 4026132 (VCV004026132.2).

ClinVar aggregate classification (germline): Uncertain significance. Review status: criteria provided, multiple submitters, no conflicts (2 of 4 stars). 2 submissions from 2 submitters: Uncertain significance (2). Last evaluated 2025-05-07.

Conditions:
FOCAD-related disorder. Also called: FOCAD-related condition.
Inborn genetic diseases. Identifiers: MedGen C0950123, MeSH D030342.

gnomAD v4.1: 7 of 1,613,982 alleles (0.00043%); highest among the groups gnomAD compares: South Asian, 0.0044%; no homozygotes.

Submissions (2):

Ambry Genetics
Classification: Uncertain significance for Inborn genetic diseases. Last evaluated: 2025-05-07. Review status: criteria provided, single submitter. Criteria: Ambry Variant Classification Scheme 2023. Collection method: clinical testing. Allele origin: germline.

PreventionGenetics, part of Exact Sciences
Classification: Uncertain significance for FOCAD-related condition. Last evaluated: 2025-02-25. Review status: criteria provided, single submitter. Criteria: ACMG Guidelines, 2015. Collection method: clinical testing. Allele origin: germline.
Comment: The FOCAD c.4544A>G variant is predicted to result in the amino acid substitution p.Gln1515Arg. To our knowledge, this variant has not been reported in the literature. This variant is reported in 0.0033% of alleles in individuals of South Asian descent in gnomAD. At this time, the clinical significance of this variant is uncertain due to the absence of conclusive functional and genetic evidence.